The following is an entry in ClinVar:

ClinVar aggregate classification (germline): Likely benign. Review status: criteria provided, multiple submitters, no conflicts (2 of 4 stars). 6 submissions from 6 submitters: Likely benign (5). 1 of the submissions does not count toward it. Last evaluated 2025-11-23.

Conditions:
Atrial septal defect 5 (ASD5). Identifiers: Orphanet 1478, MedGen C2748552, MONDO:0013011, OMIM 612794.
Dilated cardiomyopathy 1R (CMD1R). Identifiers: Orphanet 154, Orphanet 54260, MedGen C3150681, MONDO:0013261, OMIM 613424.
Hypertrophic cardiomyopathy 11. Also called: ACTC1-Related Familial Hypertrophic Cardiomyopathy. Identifiers: MedGen C2677506, MONDO:0012799, OMIM 612098.
Cardiomyopathy (CMYO). Also called: Cardiomyopathies. Identifiers: Orphanet 167848, MedGen C0878544, MONDO:0004994, HP:0001638. Inheritance: Various modes of inheritance.
ACTC1-related disorder. Also called: ACTC1-related condition.

Allele frequency attached by ClinVar (database versions not stated): gnomAD 0.00009; TOPMed 0.00012; gnomAD exomes 0.00003.
gnomAD v4.1: 55 of 1,613,986 alleles (0.0034%); highest among the groups gnomAD compares: Admixed American, 0.025%; no homozygotes.

Submissions (6):

Labcorp Genetics (formerly Invitae), Labcorp
Classification: Likely benign for Dilated cardiomyopathy 1R; Hypertrophic cardiomyopathy 11; Atrial septal defect 5. Last evaluated: 2025-11-23. Review status: criteria provided, single submitter. Criteria: Invitae Variant Classification Sherloc (09022015). Collection method: clinical testing. Allele origin: germline.

Blueprint Genetics
Classification: Likely benign. Last evaluated: 2023-03-29. Review status: criteria provided, single submitter. Criteria: ACMG Guidelines, 2015. Collection method: clinical testing. Allele origin: germline.

Color Diagnostics, LLC DBA Color Health
Classification: Likely benign for Cardiomyopathy. Last evaluated: 2019-01-22. Review status: criteria provided, single submitter. Criteria: ACMG Guidelines, 2015. Collection method: clinical testing. Allele origin: germline.

CHEO Genetics Diagnostic Laboratory, Children's Hospital of Eastern Ontario
Classification: Likely benign for Cardiomyopathy. Last evaluated: 2017-02-28. Review status: criteria provided, single submitter. Criteria: ACMG Guidelines, 2015. Collection method: clinical testing. Allele origin: germline. Study: Canadian Open Genetics Repository.

GeneDx
Classification: Likely benign. Last evaluated: 2016-02-17. Review status: criteria provided, single submitter. Criteria: GeneDx Variant Classification (06012015). Collection method: clinical testing. Allele origin: germline. Affected: yes.
Comment: This variant is considered likely benign or benign based on one or more of the following criteria: it is a conservative change, it occurs at a poorly conserved position in the protein, it is predicted to be benign by multiple in silico algorithms, and/or has population frequency not consistent with disease.

PreventionGenetics, part of Exact Sciences
Classification: Likely benign for ACTC1-related condition. Last evaluated: 2023-09-29. Review status: no assertion criteria provided. Collection method: clinical testing. Allele origin: germline. Not counted in ClinVar's aggregate classification.
Comment: This variant is classified as likely benign based on ACMG/AMP sequence variant interpretation guidelines (Richards et al. 2015 PMID: 25741868, with internal and published modifications).

NM_005159.5(ACTC1):c.455-7C>T

Genes: ACTC1 (actin alpha cardiac muscle 1; minus strand), GJD2-DT (GJD2 divergent transcript; plus strand). Cytogenetic location: 15q14.
Variant type: single nucleotide variant.
Coding change: c.455-7C>T on transcript NM_005159.5 (MANE Select); 7 bases into the intron before coding-DNA position 455, C replaced by T.
Molecular consequence: intron variant.
Genome position (GRCh38, 1-based): chr15:34,792,576, G>A on the plus strand (C>T on the coding strand, the complement: ACTC1 is on the minus strand). VCF-style: chr15-34792576-G-A. GRCh37 (hg19) VCF-style: chr15-35084777-G-A.
Other names: c.455-7C>T (LRG_388t1).
Identifiers: ClinVar variation 377436 (VCV000377436.16), dbSNP rs768363857, ClinGen allele CA041975.